The following is an entry in ClinVar:

NM_006904.7(PRKDC):c.12039G>C (p.Trp4013Cys)

Gene: PRKDC (protein kinase, DNA-activated, catalytic subunit; minus strand). Cytogenetic location: 8q11.21.
Variant type: single nucleotide variant.
Coding change: c.12039G>C on transcript NM_006904.7 (MANE Select); coding-DNA position 12039, G replaced by C.
Protein change: p.Trp4013Cys; replaces tryptophan 4013 with cysteine.
Molecular consequence: missense variant.
Genome position (GRCh38, 1-based): chr8:47,777,689, C>G on the plus strand (G>C on the coding strand, the complement: PRKDC is on the minus strand). VCF-style: chr8-47777689-C-G. GRCh37 (hg19) VCF-style: chr8-48690250-C-G.
Other names: c.11946G>C, p.Trp3982Cys (NM_001081640.2); short protein forms W3982C, W4013C.
Identifiers: ClinVar variation 2090351 (VCV002090351.4), dbSNP rs2551859672, ClinGen allele CA371128008.

ClinVar aggregate classification (germline): Uncertain significance (1 of 4 stars; one submission).

Conditions:
Severe combined immunodeficiency due to DNA-PKcs deficiency. Also called: IMMUNODEFICIENCY 26 WITH NEUROLOGIC ABNORMALITIES; Immunodeficiency 26 with or without neurologic abnormalities. Identifiers: Orphanet 317425, MedGen C4014833, MONDO:0014423, OMIM 615966.

Submission:

Labcorp Genetics (formerly Invitae), Labcorp
Classification: Uncertain significance for Severe combined immunodeficiency due to DNA-PKcs deficiency. Last evaluated: 2025-06-02. Review status: criteria provided, single submitter. Criteria: Invitae Variant Classification Sherloc (09022015). Collection method: clinical testing. Allele origin: germline.
Comment: This sequence change replaces tryptophan, which is neutral and slightly polar, with cysteine, which is neutral and slightly polar, at codon 4013 of the PRKDC protein (p.Trp4013Cys). This variant is not present in population databases (gnomAD no frequency). This variant has not been reported in the literature in individuals affected with PRKDC-related conditions. ClinVar contains an entry for this variant (Variation ID: 2090351). Invitae Evidence Modeling of protein sequence and biophysical properties (such as structural, functional, and spatial information, amino acid conservation, physicochemical variation, residue mobility, and thermodynamic stability) indicates that this missense variant is expected to disrupt PRKDC protein function with a positive predictive value of 80%. In summary, the available evidence is currently insufficient to determine the role of this variant in disease. Therefore, it has been classified as a Variant of Uncertain Significance.